The following is an entry in ClinVar:

NM_000548.5(TSC2):c.3878G>A (p.Trp1293Ter)

Gene: TSC2 (TSC complex subunit 2; plus strand). Cytogenetic location: 16p13.3.
Variant type: single nucleotide variant.
Coding change: c.3878G>A on transcript NM_000548.5 (MANE Select); coding-DNA position 3878, G replaced by A.
Protein change: p.Trp1293Ter; replaces tryptophan 1293 with a stop codon.
Molecular consequence: nonsense. On other transcripts: intron variant (6).
Genome position (GRCh38, 1-based): chr16:2,082,499, G>A. VCF-style: chr16-2082499-G-A. GRCh37 (hg19) VCF-style: chr16-2132500-G-A.
Other names: c.3146G>A, p.Trp1049Ter (NM_001318831.2); c.3746G>A, p.Trp1249Ter (NM_001370404.1); c.3749G>A, p.Trp1250Ter (NM_001370405.1, NM_021055.3); c.3814+701G>A (NM_001114382.3); c.3685+701G>A (NM_001363528.2); c.3682+701G>A (NM_001077183.3); c.3574+701G>A (NM_001318827.2); c.3538+701G>A (NM_001318829.2); and 1 more; short protein forms W1049*, W1293*, W1250*, W1249*.
Identifiers: ClinVar variation 856912 (VCV000856912.9), dbSNP rs2090268487, ClinGen allele CA394295253.

ClinVar aggregate classification (germline): Uncertain significance (1 of 4 stars; one submission).

Conditions:
Tuberous sclerosis 2 (TSC2). Identifiers: Orphanet 805, MedGen C1860707, MONDO:0013199, OMIM 613254.

Submission:

Labcorp Genetics (formerly Invitae), Labcorp
Classification: Uncertain significance for Tuberous sclerosis 2. Last evaluated: 2024-03-11. Review status: criteria provided, single submitter. Criteria: Invitae Variant Classification Sherloc (09022015). Collection method: clinical testing. Allele origin: germline.
Comment: This sequence change creates a premature translational stop signal (p.Trp1293*) in the TSC2 gene. Loss-of-function variants in TSC2 are known to be pathogenic (PMID: 10205261, 17304050). However, tissue-specific alternative splicing of TSC2 gene results in a functional isoform lacking in-frame exon 32 (also known as exon 31, PMID: 26703369). For this reason the clinical significance of loss of function variants in exon 32 is currently uncertain. This variant is not present in population databases (gnomAD no frequency). This variant has not been reported in the literature in individuals affected with TSC2-related conditions. ClinVar contains an entry for this variant (Variation ID: 856912). In summary, the available evidence is currently insufficient to determine the role of this variant in disease. Therefore, it has been classified as a Variant of Uncertain Significance.

Literature cited by the submitters: PubMed 10205261; PubMed 17304050.